The following is an entry in ClinVar:

NM_000516.7(GNAS):c.32A>T (p.Asp11Val)

Gene: GNAS (GNAS complex locus; plus strand). Cytogenetic location: 20q13.32.
Variant type: single nucleotide variant.
Coding change: c.32A>T on transcript NM_000516.7 (MANE Select); coding-DNA position 32, A replaced by T.
Protein change: p.Asp11Val; replaces aspartic acid 11 with valine.
Molecular consequence: missense variant. On other transcripts: intron variant (11).
Genome position (GRCh38, 1-based): chr20:58,891,758, A>T. VCF-style: chr20-58891758-A-T. GRCh37 (hg19) VCF-style: chr20-57466813-A-T.
Other names: c.32A>T, p.Asp11Val (NM_001077488.5, NM_001077489.4, NM_001309842.2 and 1 more transcripts); c.*43-3854A>T (NM_016592.5); c.44-3854A>T (NM_001410912.1); c.-38-3854A>T (NM_001309861.2); c.*1-3854A>T (NM_001077490.3); c.2069-3854A>T (NM_080425.4, NM_001410913.1); c.*159-3854A>T (NM_001309883.1); c.-39+2405A>T (NM_001438273.1, NM_001309840.2); and 1 more; short protein forms D11V.
Identifiers: ClinVar variation 4991711 (VCV004991711.1).

ClinVar aggregate classification (germline): Uncertain significance (1 of 4 stars; one submission).

Conditions:
GNAS-related disorder. Identifiers: MedGen CN380105.

Submission:

PreventionGenetics, part of Exact Sciences
Classification: Uncertain significance for GNAS-related condition. Last evaluated: 2025-09-24. Review status: criteria provided, single submitter. Criteria: ACMG Guidelines, 2015. Collection method: clinical testing. Allele origin: germline.
Comment: The GNAS c.32A>T variant is predicted to result in the amino acid substitution p.Asp11Val. To our knowledge, this variant has not been reported in the literature or in a large population database (gnomAD), indicating this variant is rare. At this time, the clinical significance of this variant is uncertain due to the absence of conclusive functional and genetic evidence.